The following is an entry in ClinVar:

ClinVar aggregate classification (germline): Likely benign. Review status: criteria provided, multiple submitters, no conflicts (2 of 4 stars). 4 submissions from 4 submitters: Likely benign (4). Last evaluated 2026-01-27.

Conditions:
GLIS2-related disorder. Also called: GLIS2-related condition.
Nephronophthisis. Also called: Juvenile Nephronophthisis. Identifiers: Orphanet 655, MedGen C0687120, MONDO:0019005, HP:0000090.
Kidney disorder. Also called: Kidney disease; Kidney Diseases; renal disease; renal disorder; Nephropathy. Identifiers: MedGen C0022658, MONDO:0005240, HP:0000112.
Nephronophthisis 7 (NPHP7). Identifiers: Orphanet 655, MedGen C1969092, MONDO:0012680, OMIM 611498.

Allele frequency attached by ClinVar (database versions not stated): gnomAD exomes 0.00003 and 0.00004; gnomAD 0.00005 and 0.00006; ExAC 0.00006; TOPMed 0.00006; ESP Exome Variant Server 0.00008; 1000 Genomes Project 0.00040; 1000 Genomes Project 30x 0.00047.
gnomAD v4.1: 48 of 1,603,476 alleles (0.003%); highest among the groups gnomAD compares: African/African-American, 0.032%; no homozygotes.

Submissions (4):

PreventionGenetics, part of Exact Sciences
Classification: Likely benign for GLIS2-related condition. Last evaluated: 2026-01-27. Review status: criteria provided, single submitter. Criteria: ACMG Guidelines, 2015. Collection method: clinical testing. Allele origin: germline.
Comment: This variant is classified as likely benign based on ACMG/AMP sequence variant interpretation guidelines (Richards et al. 2015 PMID: 25741868, with internal and published modifications).

Labcorp Genetics (formerly Invitae), Labcorp
Classification: Likely benign for Nephronophthisis. Last evaluated: 2024-09-05. Review status: criteria provided, single submitter. Criteria: Invitae Variant Classification Sherloc (09022015). Collection method: clinical testing. Allele origin: germline.

Fulgent Genetics
Classification: Likely benign for Nephronophthisis 7. Last evaluated: 2021-10-14. Review status: criteria provided, single submitter. Criteria: ACMG Guidelines, 2015. Collection method: clinical testing. Allele origin: unknown.

Genome Diagnostics Laboratory, The Hospital for Sick Children
Classification: Likely benign for Kidney disorder. Last evaluated: 2017-02-06. Review status: criteria provided, single submitter. Criteria: ACMG Guidelines, 2015. Collection method: clinical testing. Allele origin: germline.

NM_032575.3(GLIS2):c.789C>T (p.Tyr263=)

Gene: GLIS2 (GLIS family zinc finger 2; plus strand). Cytogenetic location: 16p13.3.
Variant type: single nucleotide variant.
Coding change: c.789C>T on transcript NM_032575.3 (MANE Select); coding-DNA position 789, C replaced by T.
Protein change: p.Tyr263=; no amino-acid change (tyrosine 263 retained).
Molecular consequence: synonymous variant.
Genome position (GRCh38, 1-based): chr16:4,336,738, C>T. VCF-style: chr16-4336738-C-T. GRCh37 (hg19) VCF-style: chr16-4386739-C-T.
Other names: c.789C>T, p.Tyr263= (NM_001318918.2).
Identifiers: ClinVar variation 696775 (VCV000696775.12), dbSNP rs368686815, ClinGen allele CA7873129.
Genomic context (GRCh38, chr16:4,336,738, plus strand): 5'-AAGGGGAGAGACCCCTCATGGCGGCACTGCACTGCACCACCCTGCAGGTGAGAAGCCCTA[C>T]GTCTGCCCCTACGAGGGCTGCAACAAGCGCTATTCCAACTCCAGTGACCGCTTTAAGCAC-3'
Protein context (NP_115964.2, residues 253-273): HNRSHTGEKP[Tyr263=]VCPYEGCNKR